The following is an entry in ClinVar:

ClinVar aggregate classification (germline): Uncertain significance (1 of 4 stars; one submission).

Conditions:
Norman-Roberts syndrome (LIS2). Also called: Lissencephaly 2 (Norman-Roberts type). Identifiers: Orphanet 89844, MedGen C0796089, MONDO:0009760, OMIM 257320.
Familial temporal lobe epilepsy 7. Identifiers: Orphanet 101046, MedGen C4225327, MONDO:0014639, OMIM 616436.

Allele frequency attached by ClinVar (database versions not stated): gnomAD exomes 0.00001; gnomAD 0.00002 and 0.00003; TOPMed 0.00006.
gnomAD v4.1: 13 of 1,613,990 alleles (0.00081%); highest among the groups gnomAD compares: Admixed American, 0.0033%; no homozygotes.

Submission:

Labcorp Genetics (formerly Invitae), Labcorp
Classification: Uncertain significance for Familial temporal lobe epilepsy 7; Norman-Roberts syndrome. Last evaluated: 2025-06-15. Review status: criteria provided, single submitter. Criteria: Invitae Variant Classification Sherloc (09022015). Collection method: clinical testing. Allele origin: germline.
Comment: This sequence change replaces tyrosine, which is neutral and polar, with phenylalanine, which is neutral and non-polar, at codon 2851 of the RELN protein (p.Tyr2851Phe). This variant is not present in population databases (gnomAD no frequency). This variant has not been reported in the literature in individuals affected with RELN-related conditions. ClinVar contains an entry for this variant (Variation ID: 1011433). Invitae Evidence Modeling of protein sequence and biophysical properties (such as structural, functional, and spatial information, amino acid conservation, physicochemical variation, residue mobility, and thermodynamic stability) indicates that this missense variant is not expected to disrupt RELN protein function with a negative predictive value of 80%. In summary, the available evidence is currently insufficient to determine the role of this variant in disease. Therefore, it has been classified as a Variant of Uncertain Significance.

NM_005045.4(RELN):c.8552A>T (p.Tyr2851Phe)

Genes: SLC26A5-AS1 (SLC26A5 antisense RNA 1; plus strand), RELN (reelin; minus strand). Cytogenetic location: 7q22.1.
Variant type: single nucleotide variant.
Coding change: c.8552A>T on transcript NM_005045.4 (MANE Select); coding-DNA position 8552, A replaced by T.
Protein change: p.Tyr2851Phe; replaces tyrosine 2851 with phenylalanine.
Molecular consequence: missense variant.
Genome position (GRCh38, 1-based): chr7:103,500,860, T>A on the plus strand (A>T on the coding strand, the complement: RELN is on the minus strand). VCF-style: chr7-103500860-T-A. GRCh37 (hg19) VCF-style: chr7-103141307-T-A.
Other names: c.8552A>T, p.Tyr2851Phe (NM_173054.3); short protein forms Y2851F.
Identifiers: ClinVar variation 1011433 (VCV001011433.8), dbSNP rs1319092399, ClinGen allele CA368755794.